The following is an entry in ClinVar:

NM_001164688.2(RD3):c.284C>T (p.Pro95Leu)

Gene: RD3 (RD3 regulator of GUCY2D; minus strand). Cytogenetic location: 1q32.3.
Variant type: single nucleotide variant.
Coding change: c.284C>T on transcript NM_001164688.2 (MANE Select); coding-DNA position 284, C replaced by T.
Protein change: p.Pro95Leu; replaces proline 95 with leucine.
Molecular consequence: missense variant.
Genome position (GRCh38, 1-based): chr1:211,481,132, G>A on the plus strand (C>T on the coding strand, the complement: RD3 is on the minus strand). VCF-style: chr1-211481132-G-A. GRCh37 (hg19) VCF-style: chr1-211654474-G-A.
Other names: c.284C>T, p.Pro95Leu (NM_183059.3); short protein forms P95L.
Identifiers: ClinVar variation 1060592 (VCV001060592.6), dbSNP rs1157836749, ClinGen allele CA344879167.

ClinVar aggregate classification (germline): Uncertain significance (1 of 4 stars; one submission).

Conditions:
Leber congenital amaurosis 12 (LCA12). Identifiers: Orphanet 65, MedGen C1857743, MONDO:0012525, OMIM 610612.

Allele frequency attached by ClinVar (database versions not stated): gnomAD exomes below 0.00001; TOPMed below 0.00001.

Submission:

Labcorp Genetics (formerly Invitae), Labcorp
Classification: Uncertain significance for Leber congenital amaurosis 12. Last evaluated: 2021-09-01. Review status: criteria provided, single submitter. Criteria: Invitae Variant Classification Sherloc (09022015). Collection method: clinical testing. Allele origin: germline.
Comment: This sequence change replaces proline with leucine at codon 95 of the RD3 protein (p.Pro95Leu). The proline residue is highly conserved and there is a moderate physicochemical difference between proline and leucine. This variant is not present in population databases (ExAC no frequency). This variant has not been reported in the literature in individuals affected with RD3-related conditions. Algorithms developed to predict the effect of missense changes on protein structure and function (SIFT, PolyPhen-2, Align-GVGD) all suggest that this variant is likely to be tolerated. In summary, the available evidence is currently insufficient to determine the role of this variant in disease. Therefore, it has been classified as a Variant of Uncertain Significance.